The following is an entry in ClinVar:

ClinVar aggregate classification (germline): Uncertain significance (1 of 4 stars; one submission).

Submission:

GeneDx
Classification: Uncertain significance. Last evaluated: 2023-02-09. Review status: criteria provided, single submitter. Criteria: GeneDx Variant Classification Process June 2021. Collection method: clinical testing. Allele origin: germline. Affected: yes.
Comment: Not observed at significant frequency in large population cohorts (gnomAD); Canonical splice site variant in a gene or region of a gene for which loss of function is not a well-established mechanism of disease; Has not been previously published as pathogenic or benign to our knowledge

NM_005027.4(PIK3R2):c.816-4_819delinsACTC

Gene: PIK3R2 (phosphoinositide-3-kinase regulatory subunit 2; plus strand). Cytogenetic location: 19p13.11.
Variant type: Indel.
Coding change: c.816-4_819delinsACTC on transcript NM_005027.4 (MANE Select); 4 bases into the intron before coding-DNA position 816 through coding-DNA position 819, TAAGGAGT replaced by ACTC.
Molecular consequence: splice acceptor variant.
Genome position (GRCh38, 1-based): chr19:18,161,962-18,161,969, TAAGGAGT replaced by ACTC. VCF-style: chr19-18161962-TAAGGAGT-ACTC. GRCh37 (hg19) VCF-style: chr19-18272772-TAAGGAGT-ACTC.
Identifiers: ClinVar variation 2575840 (VCV002575840.1), dbSNP rs2513563112, ClinGen allele CA2580613093.